The following is an entry in ClinVar:

ClinVar aggregate classification (germline): Likely benign (0 of 4 stars; one submission).

Conditions:
KDM3A-related disorder. Also called: KDM3A-related condition.

Allele frequency attached by ClinVar (database versions not stated): gnomAD exomes 0.00002; gnomAD 0.00005; TOPMed 0.00006; ExAC 0.00011; 1000 Genomes Project 0.00040; 1000 Genomes Project 30x 0.00047.
gnomAD v4.1: 39 of 1,614,024 alleles (0.0024%); highest among the groups gnomAD compares: East Asian, 0.065%; no homozygotes.

Submission:

PreventionGenetics, part of Exact Sciences
Classification: Likely benign for KDM3A-related condition. Last evaluated: 2019-08-14. Review status: no assertion criteria provided. Collection method: clinical testing. Allele origin: germline.
Comment: This variant is classified as likely benign based on ACMG/AMP sequence variant interpretation guidelines (Richards et al. 2015 PMID: 25741868, with internal and published modifications).

NM_018433.6(KDM3A):c.1698G>A (p.Val566=)

Gene: KDM3A (lysine demethylase 3A; plus strand). Cytogenetic location: 2p11.2.
Variant type: single nucleotide variant.
Coding change: c.1698G>A on transcript NM_018433.6 (MANE Select); coding-DNA position 1698, G replaced by A.
Protein change: p.Val566=; no amino-acid change (valine 566 retained).
Molecular consequence: synonymous variant.
Genome position (GRCh38, 1-based): chr2:86,470,382, G>A. VCF-style: chr2-86470382-G-A. GRCh37 (hg19) VCF-style: chr2-86697505-G-A.
Other names: c.1698G>A, p.Val566= (NM_001146688.2).
Identifiers: ClinVar variation 3053163 (VCV003053163.2), dbSNP rs182665349, ClinGen allele CA1749456.